The following is an entry in ClinVar:

ClinVar aggregate classification (germline): Uncertain significance (1 of 4 stars; one submission).

Conditions:
Myofibrillar myopathy 6. Identifiers: Orphanet 199340, MedGen C2751831, MONDO:0013061, OMIM 612954.
Dilated cardiomyopathy 1HH (CMD1HH). Identifiers: Orphanet 154, MedGen C3151293, MONDO:0013479, OMIM 613881.

Allele frequency attached by ClinVar (database versions not stated): gnomAD exomes below 0.00001; TOPMed below 0.00001.
gnomAD v4.1: 1 of 1,614,226 alleles (0.000062%); highest among the groups gnomAD compares: Non-Finnish European, 0.000085%; no homozygotes.

Submission:

Labcorp Genetics (formerly Invitae), Labcorp
Classification: Uncertain significance for Dilated cardiomyopathy 1HH; Myofibrillar myopathy 6. Last evaluated: 2024-01-29. Review status: criteria provided, single submitter. Criteria: Invitae Variant Classification Sherloc (09022015). Collection method: clinical testing. Allele origin: germline.
Comment: This sequence change replaces glutamine, which is neutral and polar, with leucine, which is neutral and non-polar, at codon 120 of the BAG3 protein (p.Gln120Leu). This variant is not present in population databases (gnomAD no frequency). This variant has not been reported in the literature in individuals affected with BAG3-related conditions. ClinVar contains an entry for this variant (Variation ID: 1392965). Advanced modeling of protein sequence and biophysical properties (such as structural, functional, and spatial information, amino acid conservation, physicochemical variation, residue mobility, and thermodynamic stability) performed at Invitae indicates that this missense variant is expected to disrupt BAG3 protein function with a positive predictive value of 80%. In summary, the available evidence is currently insufficient to determine the role of this variant in disease. Therefore, it has been classified as a Variant of Uncertain Significance.

NM_004281.4(BAG3):c.359A>T (p.Gln120Leu)

Gene: BAG3 (BAG cochaperone 3; plus strand). Cytogenetic location: 10q26.11.
Variant type: single nucleotide variant.
Coding change: c.359A>T on transcript NM_004281.4 (MANE Select); coding-DNA position 359, A replaced by T.
Protein change: p.Gln120Leu; replaces glutamine 120 with leucine.
Molecular consequence: missense variant.
Genome position (GRCh38, 1-based): chr10:119,670,029, A>T. VCF-style: chr10-119670029-A-T. GRCh37 (hg19) VCF-style: chr10-121429541-A-T.
Other names: short protein forms Q120L.
Identifiers: ClinVar variation 1392965 (VCV001392965.6), dbSNP rs1847125036, ClinGen allele CA378294936.
Genomic context (GRCh38, chr10:119,670,029, plus strand): 5'-ATGAAGGCGCTGAGAACCGGCAGGTGCACCCTTTCCATGTCTATCCCCAGCCTGGGATGC[A>T]GCGATTCCGAACTGAGGCGGCAGCAGCGGCTCCTCAGAGGTCCCAGTCACCTCTGCGGGG-3'
Protein context (NP_004272.2, residues 110-130): PFHVYPQPGM[Gln120Leu]RFRTEAAAAA